The following is an entry in ClinVar:

ClinVar aggregate classification (germline): Uncertain significance. Review status: criteria provided, multiple submitters, no conflicts (2 of 4 stars). 2 submissions from 2 submitters: Uncertain significance (2). Last evaluated 2025-07-31.

Conditions:
Inborn genetic diseases. Identifiers: MedGen C0950123, MeSH D030342.
Charcot-Marie-Tooth disease recessive intermediate C. Also called: CHARCOT-MARIE-TOOTH NEUROPATHY, RECESSIVE INTERMEDIATE C. Identifiers: Orphanet 369867, MedGen C3809309, MONDO:0014154, OMIM 615376.
Neuronopathy, distal hereditary motor, autosomal recessive 4. Also called: NEUROPATHY, DISTAL HEREDITARY MOTOR, AUTOSOMAL RECESSIVE 4; Autosomal recessive lower motor neuron disease with childhood onset. Identifiers: Orphanet 206580, MedGen C1970211, MONDO:0012608, OMIM 611067.

Allele frequency attached by ClinVar (database versions not stated): gnomAD 0.00001; gnomAD exomes 0.00001; TOPMed 0.00001; ExAC 0.00004.
gnomAD v4.1: 6 of 1,571,410 alleles (0.00038%); highest among the groups gnomAD compares: African/African-American, 0.0013%; no homozygotes.

Submissions (2):

Ambry Genetics
Classification: Uncertain significance for Inborn genetic diseases. Last evaluated: 2025-07-31. Review status: criteria provided, single submitter. Criteria: Ambry Variant Classification Scheme 2023. Collection method: clinical testing. Allele origin: germline.

Labcorp Genetics (formerly Invitae), Labcorp
Classification: Uncertain significance for Neuronopathy, distal hereditary motor, autosomal recessive 4; Charcot-Marie-Tooth disease recessive intermediate C. Last evaluated: 2022-08-20. Review status: criteria provided, single submitter. Criteria: Invitae Variant Classification Sherloc (09022015). Collection method: clinical testing. Allele origin: germline.
Comment: This sequence change replaces leucine, which is neutral and non-polar, with arginine, which is basic and polar, at codon 499 of the PLEKHG5 protein (p.Leu499Arg). This variant is present in population databases (rs768323924, gnomAD 0.001%). This variant has not been reported in the literature in individuals affected with PLEKHG5-related conditions. ClinVar contains an entry for this variant (Variation ID: 1055215). Algorithms developed to predict the effect of missense changes on protein structure and function are either unavailable or do not agree on the potential impact of this missense change (SIFT: "Tolerated"; PolyPhen-2: "Possibly Damaging"; Align-GVGD: "Class C0"). In summary, the available evidence is currently insufficient to determine the role of this variant in disease. Therefore, it has been classified as a Variant of Uncertain Significance.

NM_020631.6(PLEKHG5):c.1496T>G (p.Leu499Arg)

Gene: PLEKHG5 (pleckstrin homology and RhoGEF domain containing G5; minus strand). Cytogenetic location: 1p36.31.
Variant type: single nucleotide variant.
Coding change: c.1496T>G on transcript NM_020631.6 (MANE Select); coding-DNA position 1496, T replaced by G.
Protein change: p.Leu499Arg; replaces leucine 499 with arginine.
Molecular consequence: missense variant.
Genome position (GRCh38, 1-based): chr1:6,470,781, A>C on the plus strand (T>G on the coding strand, the complement: PLEKHG5 is on the minus strand). VCF-style: chr1-6470781-A-C. GRCh37 (hg19) VCF-style: chr1-6530841-A-C.
Other names: c.1607T>G, p.Leu536Arg (NM_001042663.3, NM_001265592.2); c.1496T>G, p.Leu499Arg (NM_001042664.2, NM_001042665.2, NM_001265594.3 and 1 more transcripts); c.1703T>G, p.Leu568Arg (NM_001265593.2); short protein forms L499R, L536R, L568R.
Identifiers: ClinVar variation 1055215 (VCV001055215.12), dbSNP rs768323924, ClinGen allele CA561504.
Genomic context (GRCh38, chr1:6,470,781, plus strand): 5'-GCCATCAGGGTTACCATGGCGACGACGGCCTCCTTGGCGCGCGGCTCCTCGGTCTTCCTC[A>C]GCACCGACTTGAGCAGCAGCGGGTACTTGGTGAGCCGCTGGTGGGGTTTGGCCAGCATGT-3'
Protein context (NP_065682.2, residues 489-509): TKYPLLLKSV[Leu499Arg]RKTEEPRAKE